The following is an entry in ClinVar:

NM_032119.4(ADGRV1):c.453+1G>A

Gene: ADGRV1 (adhesion G protein-coupled receptor V1; plus strand). Cytogenetic location: 5q14.3.
Variant type: single nucleotide variant.
Coding change: c.453+1G>A on transcript NM_032119.4 (MANE Select); the canonical splice donor site of the intron after coding-DNA position 453, G replaced by A.
Molecular consequence: splice donor variant.
Genome position (GRCh38, 1-based): chr5:90,619,182, G>A. VCF-style: chr5-90619182-G-A. GRCh37 (hg19) VCF-style: chr5-89914999-G-A.
Identifiers: ClinVar variation 3724781 (VCV003724781.2).
Genomic context (GRCh38, chr5:90,619,182, plus strand): 5'-ACTGTTACTGTGACAATATTATCAAATGACAATGCATTTGGAATTATTTCATTTAATATG[G>A]TATGGACACAATTTGATGATAATTGTGGTTGCTAGATAATAGTTTATTAAATTTTAAAAA-3'

ClinVar aggregate classification (germline): Likely pathogenic (1 of 4 stars; one submission).

Submission:

Labcorp Genetics (formerly Invitae), Labcorp
Classification: Likely pathogenic. Last evaluated: 2024-12-24. Review status: criteria provided, single submitter. Criteria: Invitae Variant Classification Sherloc (09022015). Collection method: clinical testing. Allele origin: germline.
Comment: This sequence change affects a donor splice site in intron 4 of the ADGRV1 gene. It is expected to disrupt RNA splicing. Variants that disrupt the donor or acceptor splice site typically lead to a loss of protein function (PMID: 16199547), and loss-of-function variants in ADGRV1 are known to be pathogenic (PMID: 19357117, 22135276, 22147658, 26226137, 30718709, 31047384, 32467589). This variant is not present in population databases (gnomAD no frequency). This variant has not been reported in the literature in individuals affected with ADGRV1-related conditions. Algorithms developed to predict the effect of sequence changes on RNA splicing suggest that this variant may disrupt the consensus splice site. In summary, the currently available evidence indicates that the variant is pathogenic, but additional data are needed to prove that conclusively. Therefore, this variant has been classified as Likely Pathogenic.

Literature cited by the submitters: PubMed 16199547; PubMed 19357117; PubMed 22135276; PubMed 22147658; PubMed 26226137; PubMed 30718709; PubMed 31047384; PubMed 32467589.